The following is an entry in ClinVar:

NM_004304.5(ALK):c.1253A>G (p.Asp418Gly)

Gene: ALK (ALK receptor tyrosine kinase; minus strand). Cytogenetic location: 2p23.2.
Variant type: single nucleotide variant.
Coding change: c.1253A>G on transcript NM_004304.5 (MANE Select); coding-DNA position 1253, A replaced by G.
Protein change: p.Asp418Gly; replaces aspartic acid 418 with glycine.
Molecular consequence: missense variant.
Genome position (GRCh38, 1-based): chr2:29,383,761, T>C on the plus strand (A>G on the coding strand, the complement: ALK is on the minus strand). VCF-style: chr2-29383761-T-C. GRCh37 (hg19) VCF-style: chr2-29606627-T-C.
Other names: c.1253A>G (NM_004304.4); short protein forms D418G.
Identifiers: ClinVar variation 1442301 (VCV001442301.10), dbSNP rs2148301472, ClinGen allele CA346585134.

ClinVar aggregate classification (germline): Uncertain significance. Review status: criteria provided, multiple submitters, no conflicts (2 of 4 stars). 2 submissions from 2 submitters: Uncertain significance (2). Last evaluated 2025-08-24.

Conditions:
Neuroblastoma, susceptibility to, 3. Also called: ALK-Related Neuroblastic Tumor Susceptibility. Identifiers: Orphanet 635, MedGen C2751681, MONDO:0013083, OMIM 613014.
Hereditary cancer-predisposing syndrome. Also called: Tumor predisposition; Hereditary neoplastic syndrome; Hereditary Cancer Syndrome; Neoplastic Syndromes, Hereditary. Identifiers: Orphanet 140162, MedGen C0027672, MeSH D009386, MONDO:0015356.

gnomAD v4.1: 8 of 1,614,110 alleles (0.0005%); highest among the groups gnomAD compares: Non-Finnish European, 0.00068%; no homozygotes.

Submissions (2):

Labcorp Genetics (formerly Invitae), Labcorp
Classification: Uncertain significance for Neuroblastoma, susceptibility to, 3. Last evaluated: 2025-08-24. Review status: criteria provided, single submitter. Criteria: Invitae Variant Classification Sherloc (09022015). Collection method: clinical testing. Allele origin: germline.
Comment: This sequence change replaces aspartic acid, which is acidic and polar, with glycine, which is neutral and non-polar, at codon 418 of the ALK protein (p.Asp418Gly). This variant is not present in population databases (gnomAD no frequency). This variant has not been reported in the literature in individuals affected with ALK-related conditions. ClinVar contains an entry for this variant (Variation ID: 1442301). An algorithm developed to predict the effect of missense changes on protein structure and function (PolyPhen-2) suggests that this variant is likely to be tolerated. In summary, the available evidence is currently insufficient to determine the role of this variant in disease. Therefore, it has been classified as a Variant of Uncertain Significance.

Ambry Genetics
Classification: Uncertain significance for Hereditary cancer-predisposing syndrome. Last evaluated: 2025-05-04. Review status: criteria provided, single submitter. Criteria: Ambry Variant Classification Scheme 2023. Collection method: clinical testing. Allele origin: germline.
Comment: The p.D418G variant (also known as c.1253A>G), located in coding exon 5 of the ALK gene, results from an A to G substitution at nucleotide position 1253. The aspartic acid at codon 418 is replaced by glycine, an amino acid with similar properties. This amino acid position is conserved. In addition, this alteration is predicted to be tolerated by in silico analysis. Since supporting evidence is limited at this time, the clinical significance of this alteration remains unclear.